The following is an entry in ClinVar:

NM_022552.5(DNMT3A):c.1631G>A (p.Arg544His)

Gene: DNMT3A (DNA methyltransferase 3 alpha; minus strand). Cytogenetic location: 2p23.3.
Variant type: single nucleotide variant.
Coding change: c.1631G>A on transcript NM_022552.5 (MANE Select); coding-DNA position 1631, G replaced by A.
Protein change: p.Arg544His; replaces arginine 544 with histidine.
Molecular consequence: missense variant. On other transcripts: non-coding transcript variant (1).
Genome position (GRCh38, 1-based): chr2:25,244,576, C>T on the plus strand (G>A on the coding strand, the complement: DNMT3A is on the minus strand). VCF-style: chr2-25244576-C-T. GRCh37 (hg19) VCF-style: chr2-25467445-C-T.
Other names: c.1175G>A, p.Arg392His (NM_001320893.1); c.962G>A, p.Arg321His (NM_001375819.1); c.1064G>A, p.Arg355His (NM_153759.3); c.1631G>A, p.Arg544His (NM_175629.2); c.1631G>A (NM_022552.3); short protein forms R321H, R355H, R392H, R544H.
Identifiers: ClinVar variation 1315908 (VCV001315908.3), dbSNP rs2149291642, ClinGen allele CA346072136.

ClinVar aggregate classification (germline): Uncertain significance. Review status: criteria provided, multiple submitters, no conflicts (2 of 4 stars). 2 submissions from 2 submitters: Uncertain significance (2). Last evaluated 2025-08-29.

Conditions:
Inborn genetic diseases. Identifiers: MedGen C0950123, MeSH D030342.

Submissions (2):

Ambry Genetics
Classification: Uncertain significance for Inborn genetic diseases. Last evaluated: 2025-08-29. Review status: criteria provided, single submitter. Criteria: Ambry Variant Classification Scheme 2023. Collection method: clinical testing. Allele origin: germline.
Comment: The p.R544H variant (also known as c.1631G>A), located in coding exon 13 of the DNMT3A gene, results from a G to A substitution at nucleotide position 1631. The arginine at codon 544 is replaced by histidine, an amino acid with highly similar properties. This amino acid position is conserved. In addition, the in silico prediction for this alteration is inconclusive. Based on the available evidence, the clinical significance of this variant remains unclear.

GeneDx
Classification: Uncertain significance. Last evaluated: 2019-08-24. Review status: criteria provided, single submitter. Criteria: GeneDx Variant Classification Process June 2021. Collection method: clinical testing. Allele origin: germline. Affected: yes.
Comment: Not observed in large population cohorts (Lek et al., 2016); In silico analysis, which includes protein predictors and evolutionary conservation, supports a deleterious effect; Has not been previously published as pathogenic or benign to our knowledge